The following is an entry in ClinVar:

ClinVar aggregate classification (germline): Pathogenic (0 of 4 stars; one submission).

Conditions:
Acute myeloid leukemia (AML). Also called: Acute myeloid leukemia, adult; AML adult; Acute non-lymphocytic leukemia; Acute granulocytic leukemia; Leukemia, acute myelogenous, somatic; Leukemia, acute myeloid, somatic. Identifiers: Orphanet 519, MedGen C0023467, MeSH D015470, MONDO:0018874, OMIM 601626, HP:0004808. Disease mechanism: Constitutively activated FLT3.

Submission:

Bone Marrow Failure laboratory, Queen Mary University London
Classification: Pathogenic for Acute myeloid leukemia. Last evaluated: 2020-08-28. Review status: no assertion criteria provided. Collection method: research. Allele origin: unknown. Affected: yes.
Comment: The following ACMG/AMP criteria were used: PVS1, PM2, PP3.

Literature cited by the submitters: PubMed 27133828.

NM_016222.4(DDX41):c.719delinsCG (p.Ile240fs)

Gene: DDX41 (DEAD-box helicase 41; minus strand). Cytogenetic location: 5q35.3.
Variant type: Indel.
Coding change: c.719delinsCG on transcript NM_016222.4 (MANE Select); coding-DNA position 719, T replaced by CG.
Protein change: p.Ile240fs; shifts the reading frame from isoleucine 240.
Molecular consequence: frameshift variant.
Genome position (GRCh38, 1-based): chr5:177,514,995, A replaced by CG on the plus strand (T replaced by CG on the coding strand, the reverse complement: DDX41 is on the minus strand). VCF-style: chr5-177514995-A-CG. GRCh37 (hg19) VCF-style: chr5-176941996-A-CG.
Other names: c.719delTinsCG (NM_016222.4); c.341delinsCG, p.Ile114fs (NM_001321732.2, NM_001321830.2); short protein forms I114fs, I240fs.
Identifiers: ClinVar variation 978203 (VCV000978203.2), dbSNP rs1761157695, ClinGen allele CA1139659279.